The following is an entry in ClinVar:

NM_181882.3(PRX):c.3705G>C (p.Glu1235Asp)

Gene: PRX (periaxin; minus strand). Cytogenetic location: 19q13.2.
Variant type: single nucleotide variant.
Coding change: c.3705G>C on transcript NM_181882.3 (MANE Select); coding-DNA position 3705, G replaced by C.
Protein change: p.Glu1235Asp; replaces glutamic acid 1235 with aspartic acid.
Molecular consequence: missense variant. On other transcripts: 3 prime UTR variant (1).
Genome position (GRCh38, 1-based): chr19:40,394,647, C>G on the plus strand (G>C on the coding strand, the complement: PRX is on the minus strand). VCF-style: chr19-40394647-C-G. GRCh37 (hg19) VCF-style: chr19-40900554-C-G.
Other names: p.Glu1235Asp; c.3990G>C, p.Glu1330Asp (NM_001411127.1); c.*3910G>C (NM_020956.2); short protein forms E1235D, E1330D.
Identifiers: ClinVar variation 2683501 (VCV002683501.1), dbSNP rs2514798879, ClinGen allele CA405892596.

ClinVar aggregate classification (germline): Uncertain significance (1 of 4 stars; one submission).

Submission:

Mayo Clinic Laboratories, Mayo Clinic
Classification: Uncertain significance. Last evaluated: 2022-02-22. Review status: criteria provided, single submitter. Criteria: ACMG Guidelines, 2015. Collection method: clinical testing. Allele origin: germline. Observed: 1 variant allele.
Comment: BP4, PM2